The following is an entry in ClinVar:

ClinVar aggregate classification (germline): Uncertain significance (1 of 4 stars; one submission).

gnomAD v4.1: 1 of 1,599,676 alleles (0.000063%); highest among the groups gnomAD compares: Admixed American, 0.0017%; no homozygotes.

Submission:

Labcorp Genetics (formerly Invitae), Labcorp
Classification: Uncertain significance. Last evaluated: 2025-02-03. Review status: criteria provided, single submitter. Criteria: Invitae Variant Classification Sherloc (09022015). Collection method: clinical testing. Allele origin: germline.
Comment: This sequence change replaces proline, which is neutral and non-polar, with threonine, which is neutral and polar, at codon 531 of the RELB protein (p.Pro531Thr). This variant is not present in population databases (gnomAD no frequency). This variant has not been reported in the literature in individuals affected with RELB-related conditions. An algorithm developed to predict the effect of missense changes on protein structure and function outputs the following: PolyPhen-2: "Benign". The threonine amino acid residue is found in multiple mammalian species, which suggests that this missense change does not adversely affect protein function. In summary, the available evidence is currently insufficient to determine the role of this variant in disease. Therefore, it has been classified as a Variant of Uncertain Significance.

NM_006509.4(RELB):c.1591C>A (p.Pro531Thr)

Gene: RELB (RELB proto-oncogene, NF-kB subunit; plus strand). Cytogenetic location: 19q13.32.
Variant type: single nucleotide variant.
Coding change: c.1591C>A on transcript NM_006509.4 (MANE Select); coding-DNA position 1591, C replaced by A.
Protein change: p.Pro531Thr; replaces proline 531 with threonine.
Molecular consequence: missense variant.
Genome position (GRCh38, 1-based): chr19:45,037,641, C>A. VCF-style: chr19-45037641-C-A. GRCh37 (hg19) VCF-style: chr19-45540899-C-A.
Other names: c.1582C>A, p.Pro528Thr (NM_001411087.1); short protein forms P531T, P528T.
Identifiers: ClinVar variation 3701923 (VCV003701923.2).